The following is an entry in ClinVar:

ClinVar aggregate classification (germline): Likely pathogenic (1 of 4 stars; one submission).

Submission:

Labcorp Genetics (formerly Invitae), Labcorp
Classification: Likely pathogenic. Last evaluated: 2024-05-20. Review status: criteria provided, single submitter. Criteria: Invitae Variant Classification Sherloc (09022015). Collection method: clinical testing. Allele origin: germline.
Comment: This sequence change replaces glycine, which is neutral and non-polar, with alanine, which is neutral and non-polar, at codon 648 of the MUT protein (p.Gly648Ala). This variant is not present in population databases (gnomAD no frequency). This variant has not been reported in the literature in individuals affected with MUT-related conditions. Advanced modeling of protein sequence and biophysical properties (such as structural, functional, and spatial information, amino acid conservation, physicochemical variation, residue mobility, and thermodynamic stability) performed at Invitae indicates that this missense variant is expected to disrupt MUT protein function with a positive predictive value of 95%. This variant disrupts the p.Gly648 amino acid residue in MUT. Other variant(s) that disrupt this residue have been determined to be pathogenic (PMID: 7912889, 23430940, 25125334, 26454439, 28811685). This suggests that this residue is clinically significant, and that variants that disrupt this residue are likely to be disease-causing. In summary, the currently available evidence indicates that the variant is pathogenic, but additional data are needed to prove that conclusively. Therefore, this variant has been classified as Likely Pathogenic.

Literature cited by the submitters: PubMed 7912889; PubMed 23430940; PubMed 25125334; PubMed 26454439; PubMed 28811685.

NM_000255.4(MMUT):c.1943G>C (p.Gly648Ala)

Gene: MMUT (methylmalonyl-CoA mutase; minus strand). Cytogenetic location: 6p12.3.
Variant type: single nucleotide variant.
Coding change: c.1943G>C on transcript NM_000255.4 (MANE Select); coding-DNA position 1943, G replaced by C.
Protein change: p.Gly648Ala; replaces glycine 648 with alanine.
Molecular consequence: missense variant.
Genome position (GRCh38, 1-based): chr6:49,440,219, C>G on the plus strand (G>C on the coding strand, the complement: MMUT is on the minus strand). VCF-style: chr6-49440219-C-G. GRCh37 (hg19) VCF-style: chr6-49407932-C-G.
Other names: short protein forms G648A.
Identifiers: ClinVar variation 2707823 (VCV002707823.3), dbSNP rs766721811, ClinGen allele CA364394892.